The following is an entry in ClinVar:

NM_001034850.3(RETREG1):c.94G>C (p.Ala32Pro)

Genes: RETREG1 (reticulophagy regulator 1; minus strand), RETREG1-AS1 (RETREG1 antisense RNA 1; plus strand), LOC129993734 (ATAC-STARR-seq lymphoblastoid silent region 15947; plus strand). Cytogenetic location: 5p15.1.
Variant type: single nucleotide variant.
Coding change: c.94G>C on transcript NM_001034850.3 (MANE Select); coding-DNA position 94, G replaced by C.
Protein change: p.Ala32Pro; replaces alanine 32 with proline.
Molecular consequence: missense variant.
Genome position (GRCh38, 1-based): chr5:16,616,878, C>G on the plus strand (G>C on the coding strand, the complement: RETREG1 is on the minus strand). VCF-style: chr5-16616878-C-G. GRCh37 (hg19) VCF-style: chr5-16616987-C-G.
Other names: c.94G>C (NM_001034850.1); short protein forms A32P.
Identifiers: ClinVar variation 906953 (VCV000906953.10), dbSNP rs1377991492, ClinGen allele CA359293035.

ClinVar aggregate classification (germline): Uncertain significance. Review status: criteria provided, multiple submitters, no conflicts (2 of 4 stars). 3 submissions from 3 submitters: Uncertain significance (3). Last evaluated 2023-06-26.

Conditions:
Inborn genetic diseases. Identifiers: MedGen C0950123, MeSH D030342.
Neuropathy, hereditary sensory and autonomic, type 2B (HSAN2B). Also called: RETREG1-Related HSAN2 (HSAN2B). Identifiers: Orphanet 970, MedGen C2751092, MONDO:0013142, OMIM 613115.

Allele frequency attached by ClinVar (database versions not stated): gnomAD 0.00001; TOPMed 0.00001.
gnomAD v4.1: 4 of 1,488,830 alleles (0.00027%); highest among the groups gnomAD compares: Non-Finnish European, 0.00035%; no homozygotes.

Submissions (3):

Ambry Genetics
Classification: Uncertain significance for Inborn genetic diseases. Last evaluated: 2023-06-26. Review status: criteria provided, single submitter. Criteria: Ambry Variant Classification Scheme 2023. Collection method: clinical testing. Allele origin: germline.

Labcorp Genetics (formerly Invitae), Labcorp
Classification: Uncertain significance. Last evaluated: 2022-09-01. Review status: criteria provided, single submitter. Criteria: Invitae Variant Classification Sherloc (09022015). Collection method: clinical testing. Allele origin: germline.
Comment: This sequence change replaces alanine, which is neutral and non-polar, with proline, which is neutral and non-polar, at codon 32 of the RETREG1 protein (p.Ala32Pro). This variant is not present in population databases (gnomAD no frequency). This variant has not been reported in the literature in individuals affected with RETREG1-related conditions. ClinVar contains an entry for this variant (Variation ID: 906953). Algorithms developed to predict the effect of missense changes on protein structure and function are either unavailable or do not agree on the potential impact of this missense change (SIFT: "Tolerated"; PolyPhen-2: "Not Available"; Align-GVGD: "Class C0"). In summary, the available evidence is currently insufficient to determine the role of this variant in disease. Therefore, it has been classified as a Variant of Uncertain Significance.

Illumina Laboratory Services, Illumina
Classification: Uncertain significance for Neuropathy, hereditary sensory and autonomic, type 2B. Last evaluated: 2018-01-12. Review status: criteria provided, single submitter. Criteria: ICSL Variant Classification Criteria 13 December 2019. Collection method: clinical testing. Allele origin: germline.